The following is an entry in ClinVar:

ClinVar aggregate classification (germline): Pathogenic. Review status: criteria provided, multiple submitters, no conflicts (2 of 4 stars). 2 submissions from 2 submitters: Pathogenic (2). Last evaluated 2025-05-07.

Conditions:
Epidermolysis bullosa simplex 5C, with pyloric atresia (EBS5C). Also called: PLEC-Related Epidermolysis Bullosa with Pyloric Atresia; Epidermolysis bullosa simplex with pyloric atresia; PLEC1-Related Epidermolysis Bullosa with Pyloric Atresia. Identifiers: Orphanet 158684, MedGen C2677349, MONDO:0012807, OMIM 612138.
PLEC-related disorder. Also called: PLEC-related condition; PLEC-related disorders.

Submissions (2):

3billion
Classification: Pathogenic for PLEC-related disorder. Last evaluated: 2025-05-07. Review status: criteria provided, single submitter. Criteria: ACMG Guidelines, 2015. Collection method: clinical testing. Allele origin: germline. Affected: yes.
Comment: The variant is not observed in the gnomAD v4.1.0 dataset. Predicted Consequence/Location: Stop-gained (nonsense): predicted to result in a loss or disruption of normal protein function through nonsense-mediated decay (NMD) or protein truncation. Multiple pathogenic variants are reported downstream of the variant. The variant has been reported to be associated with PLEC-related disorder (ClinVar ID: VCV003767316). Therefore, this variant is classified as Pathogenic according to the recommendation of ACMG/AMP guideline.

Palindrome, Gene Kavoshgaran Aria
Classification: Pathogenic for Epidermolysis bullosa simplex 5C, with pyloric atresia. Last evaluated: 2025-02-16. Review status: criteria provided, single submitter. Criteria: ACMG Guidelines, 2015. Collection method: clinical testing. Allele origin: germline. Inheritance: Autosomal recessive inheritance. Affected: yes. Observed: 1 homozygote.

NM_201384.3(PLEC):c.5188C>T (p.Gln1730Ter)

Gene: PLEC (plectin; minus strand). Cytogenetic location: 8q24.3.
Variant type: single nucleotide variant.
Coding change: c.5188C>T on transcript NM_201384.3 (MANE Select); coding-DNA position 5188, C replaced by T.
Protein change: p.Gln1730Ter; replaces glutamine 1730 with a stop codon.
Molecular consequence: nonsense. On other transcripts: intron variant (1).
Genome position (GRCh38, 1-based): chr8:143,924,741, G>A on the plus strand (C>T on the coding strand, the complement: PLEC is on the minus strand). VCF-style: chr8-143924741-G-A. GRCh37 (hg19) VCF-style: chr8-144998909-G-A.
Other names: c.5269C>T, p.Gln1757Ter (NM_000445.5); c.5146C>T, p.Gln1716Ter (NM_201378.4); c.5122C>T, p.Gln1708Ter (NM_201379.3); c.5599C>T, p.Gln1867Ter (NM_201380.4); c.5092C>T, p.Gln1698Ter (NM_201381.3); c.5188C>T, p.Gln1730Ter (NM_201382.4); c.5200C>T, p.Gln1734Ter (NM_201383.3); c.4125+2043C>T (NM_001410941.1); short protein forms Q1698*, Q1708*, Q1716*, Q1730*, Q1734*, Q1757*, Q1867*.
Identifiers: ClinVar variation 3767316 (VCV003767316.2).